The following is an entry in ClinVar:

ClinVar aggregate classification (germline): Uncertain significance (1 of 4 stars; one submission).

Allele frequency attached by ClinVar (database versions not stated): gnomAD exomes below 0.00001; TOPMed below 0.00001; gnomAD 0.00001.
gnomAD v4.1: 5 of 1,614,020 alleles (0.00031%); highest among the groups gnomAD compares: Admixed American, 0.0017%; no homozygotes.

Submission:

Labcorp Genetics (formerly Invitae), Labcorp
Classification: Uncertain significance. Last evaluated: 2021-12-31. Review status: criteria provided, single submitter. Criteria: Invitae Variant Classification Sherloc (09022015). Collection method: clinical testing. Allele origin: germline.
Comment: In summary, the available evidence is currently insufficient to determine the role of this variant in disease. Therefore, it has been classified as a Variant of Uncertain Significance. Algorithms developed to predict the effect of missense changes on protein structure and function are either unavailable or do not agree on the potential impact of this missense change (SIFT: "Deleterious"; PolyPhen-2: "Benign"; Align-GVGD: "Class C0"). This variant has not been reported in the literature in individuals affected with LIG1-related conditions. This variant is present in population databases (no rsID available, gnomAD 0.0009%). This sequence change replaces arginine, which is basic and polar, with glycine, which is neutral and non-polar, at codon 55 of the LIG1 protein (p.Arg55Gly).

NM_000234.3(LIG1):c.163A>G (p.Arg55Gly)

Gene: LIG1 (DNA ligase 1; minus strand). Cytogenetic location: 19q13.33.
Variant type: single nucleotide variant.
Coding change: c.163A>G on transcript NM_000234.3 (MANE Select); coding-DNA position 163, A replaced by G.
Protein change: p.Arg55Gly; replaces arginine 55 with glycine.
Molecular consequence: missense variant. On other transcripts: non-coding transcript variant (6).
Genome position (GRCh38, 1-based): chr19:48,161,452, T>C on the plus strand (A>G on the coding strand, the complement: LIG1 is on the minus strand). VCF-style: chr19-48161452-T-C. GRCh37 (hg19) VCF-style: chr19-48664709-T-C.
Other names: c.73A>G, p.Arg25Gly (NM_001289063.2, NM_001320971.2); c.163A>G, p.Arg55Gly (NM_001289064.2, NM_001320970.2); short protein forms R25G, R55G.
Identifiers: ClinVar variation 1911379 (VCV001911379.5), dbSNP rs1478202640, ClinGen allele CA406642943.